The following is an entry in ClinVar:

NM_002206.3(ITGA7):c.2176G>A (p.Val726Ile)

Genes: ITGA7 (integrin subunit alpha 7; minus strand), LOC126861535 (CDK7 strongly-dependent group 2 enhancer GRCh37_chr12:56087579-56088778; plus strand). Cytogenetic location: 12q13.2.
Variant type: single nucleotide variant.
Coding change: c.2176G>A on transcript NM_002206.3 (MANE Select); coding-DNA position 2176, G replaced by A.
Protein change: p.Val726Ile; replaces valine 726 with isoleucine.
Molecular consequence: missense variant.
Genome position (GRCh38, 1-based): chr12:55,694,798, C>T on the plus strand (G>A on the coding strand, the complement: ITGA7 is on the minus strand). VCF-style: chr12-55694798-C-T. GRCh37 (hg19) VCF-style: chr12-56088582-C-T.
Other names: c.2188G>A, p.Val730Ile (NM_001144996.2); c.1897G>A, p.Val633Ile (NM_001144997.2); c.1849G>A, p.Val617Ile (NM_001367993.1); c.832G>A, p.Val278Ile (NM_001367994.1); c.2158G>A, p.Val720Ile (NM_001374465.1); c.2308G>A, p.Val770Ile (NM_001410977.1); c.2170G>A, p.Val724Ile (NM_001414029.1); c.2101G>A, p.Val701Ile (NM_001414030.1); and 4 more; short protein forms V617I, V633I, V726I, V730I, V278I, V720I, V770I, V701I.
Identifiers: ClinVar variation 1484472 (VCV001484472.7), dbSNP rs2136002840, ClinGen allele CA385183755.

ClinVar aggregate classification (germline): Uncertain significance (1 of 4 stars; one submission).

Conditions:
Congenital muscular dystrophy due to integrin alpha-7 deficiency. Also called: MYOPATHY, CONGENITAL, DUE TO INTEGRIN ALPHA-7 DEFICIENCY; Congenital muscular dystrophy with integrin alpha-7 deficiency; Muscular dystrophy, congenital, due to ITGA7 deficiency. Identifiers: Orphanet 34520, MedGen C2750786, MONDO:0013177, OMIM 613204.

gnomAD v4.1: 6 of 1,613,952 alleles (0.00037%); highest among the groups gnomAD compares: Non-Finnish European, 0.00042%; no homozygotes.

Submission:

Labcorp Genetics (formerly Invitae), Labcorp
Classification: Uncertain significance for Congenital muscular dystrophy due to integrin alpha-7 deficiency. Last evaluated: 2021-10-20. Review status: criteria provided, single submitter. Criteria: Invitae Variant Classification Sherloc (09022015). Collection method: clinical testing. Allele origin: germline.
Comment: In summary, the available evidence is currently insufficient to determine the role of this variant in disease. Therefore, it has been classified as a Variant of Uncertain Significance. Algorithms developed to predict the effect of missense changes on protein structure and function are either unavailable or do not agree on the potential impact of this missense change (SIFT: "Tolerated"; PolyPhen-2: "Possibly Damaging"; Align-GVGD: "Class C0"). This variant has not been reported in the literature in individuals affected with ITGA7-related conditions. This variant is not present in population databases (ExAC no frequency). This sequence change replaces valine with isoleucine at codon 726 of the ITGA7 protein (p.Val726Ile). The valine residue is moderately conserved and there is a small physicochemical difference between valine and isoleucine.